The following is an entry in ClinVar:

ClinVar aggregate classification (germline): Benign/Likely benign. Review status: criteria provided, multiple submitters, no conflicts (2 of 4 stars). 12 submissions from 12 submitters: Benign (6); Likely benign (6). Last evaluated 2026-08-01.

Conditions:
Hereditary cancer-predisposing syndrome. Also called: Hereditary neoplastic syndrome; Hereditary Cancer Syndrome; Neoplastic Syndromes, Hereditary; Tumor predisposition. Identifiers: Orphanet 140162, MedGen C0027672, MeSH D009386, MONDO:0015356.
Retinoblastoma (RB1). Also called: RETINOBLASTOMA, SOMATIC. Identifiers: Orphanet 790, MedGen C0035335, MeSH D012175, MONDO:0008380, OMIM 180200, HP:0009919. Disease mechanism: loss of function. Inheritance: Both sporadic and heritable forms are tested..

Allele frequency attached by ClinVar (database versions not stated): gnomAD 0.00104 and 0.00102; gnomAD exomes 0.00126 and 0.00145; ExAC 0.00161; 1000 Genomes Project 30x 0.00047; 1000 Genomes Project 0.00060; TOPMed 0.00085; ESP Exome Variant Server 0.00100.
gnomAD v4.1: 2,265 of 1,614,062 alleles (0.14%); highest among the groups gnomAD compares: Non-Finnish European, 0.17%; 4 homozygotes.

Submissions (12):

CeGaT Center for Human Genetics Tuebingen
Classification: Likely benign. Last evaluated: 2026-08-01. Review status: criteria provided, single submitter. Criteria: CeGaT Center For Human Genetics Tuebingen Variant Classification Criteria Version 2. Collection method: clinical testing. Allele origin: germline. Affected: yes. Observed: 7 variant alleles.
Comment: RB1: BS1

Myriad Genetics, Inc.
Classification: Benign for Retinoblastoma. Last evaluated: 2026-06-25. Review status: criteria provided, single submitter. Criteria: Myriad Autosomal Dominant, Autosomal Recessive and X-Linked Classification Criteria (2023). Collection method: clinical testing. Allele origin: unknown.
Comment: This variant is considered benign. This variant is intronic and is not expected to impact mRNA splicing. This variant has been observed at a population frequency that is significantly greater than expected given the associated disease prevalence and penetrance.

Labcorp Genetics (formerly Invitae), Labcorp
Classification: Benign for Retinoblastoma. Last evaluated: 2026-01-31. Review status: criteria provided, single submitter. Criteria: Invitae Variant Classification Sherloc (09022015). Collection method: clinical testing. Allele origin: germline.

ARUP Laboratories, Molecular Genetics and Genomics, ARUP Laboratories
Classification: Likely benign. Last evaluated: 2025-03-27. Review status: criteria provided, single submitter. Criteria: ARUP Molecular Germline Variant Investigation Process 2024. Collection method: clinical testing. Allele origin: germline.

Blueprint Genetics
Classification: Likely benign. Last evaluated: 2024-10-28. Review status: criteria provided, single submitter. Criteria: ACMG Guidelines, 2015. Collection method: clinical testing. Allele origin: germline.

Genetic Diagnostic Laboratory, University of Pennsylvania School of Medicine
Classification: Likely benign for Retinoblastoma. Last evaluated: 2024-05-20. Review status: criteria provided, single submitter. Criteria: ACMG Guidelines, 2015. Collection method: clinical testing. Allele origin: germline. Affected: yes. Observed: 1 variant allele.
Comment: Case and Pedigree Information: BILATERAL CASES:1, UNILATERAL CASES:0, TOTAL CASES:1, PEDIGREES:1. ACMG Codes Applied:BS1, BP4

Color Diagnostics, LLC DBA Color Health
Classification: Benign for Retinoblastoma. Last evaluated: 2022-05-02. Review status: criteria provided, single submitter. Criteria: ACMG Guidelines, 2015. Collection method: clinical testing. Allele origin: germline.

GeneDx
Classification: Likely benign. Last evaluated: 2021-05-17. Review status: criteria provided, single submitter. Criteria: GeneDx Variant Classification Process June 2021. Collection method: clinical testing. Allele origin: germline. Affected: yes.
Comment: This variant is associated with the following publications: (PMID: 15605413, 18000883)

Sema4
Classification: Benign for Hereditary cancer-predisposing syndrome. Last evaluated: 2020-10-20. Review status: criteria provided, single submitter. Criteria: Sema4 Curation Guidelines. Collection method: curation. Allele origin: germline.

Illumina Laboratory Services, Illumina
Classification: Benign for Retinoblastoma. Last evaluated: 2018-03-06. Review status: criteria provided, single submitter. Criteria: ICSL Variant Classification Criteria 13 December 2019. Collection method: clinical testing. Allele origin: germline.
Comment: This variant was observed in the ICSL laboratory as part of a predisposition screen in an ostensibly healthy population. It had not been previously curated by ICSL or reported in the Human Gene Mutation Database (HGMD: prior to June 1st, 2018), and was therefore a candidate for classification through an automated scoring system. Utilizing variant allele frequency, disease prevalence and penetrance estimates, and inheritance mode, an automated score was calculated to assess if this variant is too frequent to cause the disease. Based on the score and internal cut-off values, a variant classified as benign is not then subjected to further curation. The score for this variant resulted in a classification of benign for this disease.

Eurofins Ntd Llc (ga)
Classification: Benign. Last evaluated: 2016-04-20. Review status: criteria provided, single submitter. Criteria: EGL Classification Definitions 2015. Collection method: clinical testing. Allele origin: germline. Observed: 1 variant allele, 1 heterozygote.

Laboratory for Molecular Medicine, Mass General Brigham Personalized Medicine
Classification: Likely benign. Last evaluated: 2016-03-28. Review status: criteria provided, single submitter. Criteria: LMM Criteria. Collection method: clinical testing. Allele origin: germline.
Comment: Variant identified in a genome or exome case(s) and assessed due to predicted null impact of the variant or pathogenic assertions in the literature or databases. Disclaimer: This variant has not undergone full assessment. The following are preliminary notes: Published in 1 proband; No change to splice consensus; In vitro assay shows no impact to splicing; ExAC: 0.2% (158/66724) European chromosomes

NM_000321.3(RB1):c.1961-12T>C

Gene: RB1 (RB transcriptional corepressor 1; plus strand). Cytogenetic location: 13q14.2.
Variant type: single nucleotide variant.
Coding change: c.1961-12T>C on transcript NM_000321.3 (MANE Select); 12 bases into the intron before coding-DNA position 1961, T replaced by C.
Molecular consequence: intron variant.
Genome position (GRCh38, 1-based): chr13:48,459,676, T>C. VCF-style: chr13-48459676-T-C. GRCh37 (hg19) VCF-style: chr13-49033812-T-C.
Identifiers: ClinVar variation 237666 (VCV000237666.63), dbSNP rs201697122, ClinGen allele CA033234.